The following is an entry in ClinVar:

NM_178857.6(RP1L1):c.2375T>G (p.Leu792Arg)

Gene: RP1L1 (RP1 like 1). Cytogenetic location: 8p23.1.
Variant type: single nucleotide variant.
Coding change: c.2375T>G on transcript NM_178857.6 (MANE Select); coding-DNA position 2375, T replaced by G.
Protein change: p.Leu792Arg; replaces leucine 792 with arginine.
Molecular consequence: missense variant.
Genome position (GRCh38, 1-based): chr8:10,611,723, A>C on the plus strand (T>G on the coding strand, the complement: RP1L1 is on the minus strand). VCF-style: chr8-10611723-A-C. GRCh37 (hg19) VCF-style: chr8-10469233-A-C.
Other names: short protein forms L792R.
Identifiers: ClinVar variation 4986213 (VCV004986213.1).
Genomic context (GRCh38, chr8:10,611,723, plus strand): 5'-CGTCCAACCTGCAGAACCAAGGGTGAGGAGGGCTGAGGCGTGTCCCTGGCCTCTTCCCCC[A>C]GGCTGGCAGCCCCAGATTTTGAGCAGGAGTCGGATGTGTGGGGAGGTATGGGGGCCGGCG-3'
Protein context (NP_849188.4, residues 782-802): DSCSKSGAAS[Leu792Arg]GEEARDTPQP

ClinVar aggregate classification (germline): Uncertain significance (1 of 4 stars; one submission).

Conditions:
RP1L1-related disorder. Also called: RP1L1-related condition.

Submission:

PreventionGenetics, part of Exact Sciences
Classification: Uncertain significance for RP1L1-related condition. Last evaluated: 2024-12-23. Review status: criteria provided, single submitter. Criteria: ACMG Guidelines, 2015. Collection method: clinical testing. Allele origin: germline.
Comment: The RP1L1 c.2375T>G variant is predicted to result in the amino acid substitution p.Leu792Arg. To our knowledge, this variant has not been reported in the literature. This variant is reported in 0.0058% of alleles in individuals of Latino descent in gnomAD. At this time, the clinical significance of this variant is uncertain due to the absence of conclusive functional and genetic evidence.